The following is an entry in ClinVar:

ClinVar aggregate classification (germline): Uncertain significance (1 of 4 stars; one submission).

Allele frequency attached by ClinVar (database versions not stated): ExAC 0.00001; gnomAD 0.00003 and 0.00004; gnomAD exomes 0.00003 and 0.00004; TOPMed 0.00003.
gnomAD v4.1: 49 of 1,614,050 alleles (0.003%); highest among the groups gnomAD compares: Non-Finnish European, 0.0042%; no homozygotes.

Submission:

Labcorp Genetics (formerly Invitae), Labcorp
Classification: Uncertain significance. Last evaluated: 2022-07-09. Review status: criteria provided, single submitter. Criteria: Invitae Variant Classification Sherloc (09022015). Collection method: clinical testing. Allele origin: germline.
Comment: This sequence change replaces alanine, which is neutral and non-polar, with valine, which is neutral and non-polar, at codon 2716 of the SZT2 protein (p.Ala2716Val). This variant is present in population databases (rs746694796, gnomAD 0.008%). This variant has not been reported in the literature in individuals affected with SZT2-related conditions. ClinVar contains an entry for this variant (Variation ID: 1523765). Algorithms developed to predict the effect of missense changes on protein structure and function (SIFT, PolyPhen-2, Align-GVGD) all suggest that this variant is likely to be tolerated. Algorithms developed to predict the effect of sequence changes on RNA splicing suggest that this variant may create or strengthen a splice site. In summary, the available evidence is currently insufficient to determine the role of this variant in disease. Therefore, it has been classified as a Variant of Uncertain Significance.

NM_001365999.1(SZT2):c.8318C>T (p.Ala2773Val)

Gene: SZT2 (SZT2 subunit of KICSTOR complex; plus strand). Cytogenetic location: 1p34.2.
Variant type: single nucleotide variant.
Coding change: c.8318C>T on transcript NM_001365999.1 (MANE Select); coding-DNA position 8318, C replaced by T.
Protein change: p.Ala2773Val; replaces alanine 2773 with valine.
Molecular consequence: missense variant.
Genome position (GRCh38, 1-based): chr1:43,442,985, C>T. VCF-style: chr1-43442985-C-T. GRCh37 (hg19) VCF-style: chr1-43908656-C-T.
Other names: c.8147C>T, p.Ala2716Val (NM_015284.4); short protein forms A2773V, A2716V.
Identifiers: ClinVar variation 1523765 (VCV001523765.3), dbSNP rs746694796, ClinGen allele CA810508.
Genomic context (GRCh38, chr1:43,442,985, plus strand): 5'-GTGGGGGTCCTCTTCCCCTGGACACATTCCCCTTTGACGAGGCCCTAAGGGATATCACGG[C>T]TGCCCGCCCCAGCTCCGTACTTGGTCCTGTGCCCAGACCTCCTGATCCTGTCACCTACCA-3'
Protein context (NP_001352928.1, residues 2763-2783): PFDEALRDIT[Ala2773Val]ARPSSVLGPV